The following is an entry in ClinVar:

ClinVar aggregate classification (germline): Pathogenic. Review status: criteria provided, multiple submitters, no conflicts (2 of 4 stars). 6 submissions from 6 submitters: Pathogenic (6). Last evaluated 2026-06-04.

Conditions:
Recessive dystrophic epidermolysis bullosa (RDEB). Also called: EPIDERMOLYSIS BULLOSA DYSTROPHICA, GENERALIZED SEVERE, AUTOSOMAL RECESSIVE; Epidermolysis Bullosa Distrophica Autosomal Recessive (RDEB); Recessive DEB (RDEB); epidermolysis bullosa dystrophica, autosomal recessive; Hallopeau-Siemens Disease; DYSTROPHIC EPIDERMOLYSIS BULLOSA, AUTOSOMAL RECESSIVE. Identifiers: Orphanet 79408, Orphanet 79409, MedGen C0079474, MONDO:0009179, OMIM 226600.
COL7A1-related disorder. Also called: COL7A1-related condition; COL7A1- related disorders.
Generalized dominant dystrophic epidermolysis bullosa (DDEB). Also called: Dominant DEB (DDEB); DDEB, generalized; DDEB-gen; DYSTROPHIC EPIDERMOLYSIS BULLOSA, AUTOSOMAL DOMINANT; Epidermolysis bullosa dystrophica, autosomal dominant. Identifiers: Orphanet 231568, MedGen C0432322, MONDO:0007549, OMIM 131750.
Transient bullous dermolysis of the newborn (TBDN). Also called: DYSTROPHIC EPIDERMOLYSIS BULLOSA, NEONATAL; EPIDERMOLYSIS BULLOSA DYSTROPHICA, NEONATAL FORM. Identifiers: Orphanet 79411, MedGen C1851573, MONDO:0007548, OMIM 131705.
Pretibial dystrophic epidermolysis bullosa. Also called: EPIDERMOLYSIS BULLOSA DYSTROPHICA, PRETIBIAL; Pretibial epidermolysis bullosa; Pretibial blistering. Identifiers: Orphanet 79410, MedGen C0432321, MONDO:0007552, OMIM 131850, HP:0012221.
Dominant dystrophic epidermolysis bullosa with absence of skin. Also called: EPIDERMOLYSIS BULLOSA WITH CONGENITAL LOCALIZED ABSENCE OF SKIN AND DEFORMITY OF NAILS; EPIDERMOLYSIS BULLOSA DYSTROPHICA, BART TYPE. Identifiers: MedGen C0268371, MONDO:0007557, OMIM 132000.
Nonsyndromic congenital nail disorder 8. Also called: TOENAIL DYSTROPHY, ISOLATED. Identifiers: MedGen C1843761, MONDO:0011852, OMIM 607523.
Epidermolysis bullosa pruriginosa. Also called: DEB, PRURIGINOSA; DYSTROPHIC EPIDERMOLYSIS BULLOSA PRURIGINOSA. Identifiers: Orphanet 89843, MedGen C1275114, MONDO:0011398, OMIM 604129.
Epidermolysis bullosa dystrophica. Also called: Dystrophic epidermolysis bullosa, Hallopeau-Siemens type (formerly); Dystrophic epidermolysis bullosa. Identifiers: Orphanet 303, MedGen C0079294, MONDO:0006543.

Allele frequency attached by ClinVar (database versions not stated): gnomAD 0.00001; gnomAD exomes 0.00001; TOPMed 0.00001.

Submissions (6):

PreventionGenetics, part of Exact Sciences
Classification: Pathogenic for COL7A1-related condition. Last evaluated: 2026-06-04. Review status: criteria provided, single submitter. Criteria: ACMG Guidelines, 2015. Collection method: clinical testing. Allele origin: germline.
Comment: The COL7A1 c.5048_5051dupGAAA variant is predicted to result in a frameshift and premature protein termination (p.Asn1684Lysfs*13). This variant has been reported in individuals with autosomal recessive dystrophic epidermolysis bullosa (DEB) (Saeidian et al. 2018. PubMed ID: 29473190; reported as 5048insGAAA in Whittock et al. 1999. PubMed ID: 10504458). A second causative variant was not clearly identified in one of the individuals (Whittock et al. 1999. PubMed ID: 10504458). This variant is reported in 0.0087% of alleles in individuals of Latino descent in gnomAD. Frameshift variants in COL7A1 are expected to be pathogenic. This variant is interpreted as pathogenic.

Myriad Genetics, Inc.
Classification: Pathogenic for Recessive dystrophic epidermolysis bullosa. Last evaluated: 2026-03-31. Review status: criteria provided, single submitter. Criteria: Myriad Autosomal Dominant, Autosomal Recessive and X-Linked Classification Criteria (2023). Collection method: clinical testing. Allele origin: unknown.
Comment: NM_000094.3(COL7A1):c.5048_5051dupGAAA(N1684Kfs*13) is a frameshift variant classified as pathogenic in the context of dystrophic epidermolysis bullosa. N1684Kfs*13 has been observed in cases with relevant disease (PMID: 29473190, 10504458). Relevant functional assessments of this variant are not available in the literature. N1684Kfs*13 has been observed in referenced population frequency databases. In summary, NM_000094.3(COL7A1):c.5048_5051dupGAAA(N1684Kfs*13) is a frameshift variant in a gene where loss of function is a known mechanism of disease, is predicted to disrupt protein function, and has been observed more frequently in cases with the relevant disease than in healthy populations. Please note: this variant was assessed in the context of healthy population screening.

Natera, Inc.
Classification: Pathogenic for Dystrophic epidermolysis bullosa. Last evaluated: 2025-12-29. Review status: criteria provided, single submitter. Criteria: Natera Variant Classification Schema (03/2026). Collection method: clinical testing. Allele origin: germline.
Comment: The c.5048_5051dupGAAA variant in COL7A1 is a frameshift variant predicted to shift the reading frame beginning at codon 1684 and leads to a stop codon 13 codons downstream. This variant is expected to result in nonsense mediated decay, truncation, or a dysfunctional protein product. This variant is rare in the general population with a frequency below the threshold expected for the associated phenotype(s). This variant has been observed in one or more individuals affected with the associated recessive disease, as either homozygous or compound heterozygous with a second variant (PMID: 25703736). Given the available evidence, this variant is classified as Pathogenic.

Fulgent Genetics
Classification: Pathogenic for Transient bullous dermolysis of the newborn; Generalized dominant dystrophic epidermolysis bullosa; Pretibial dystrophic epidermolysis bullosa; Dominant dystrophic epidermolysis bullosa with absence of skin; Recessive dystrophic epidermolysis bullosa; Epidermolysis bullosa pruriginosa; Nonsyndromic congenital nail disorder 8. Last evaluated: 2024-05-22. Review status: criteria provided, single submitter. Criteria: ACMG Guidelines, 2015. Collection method: clinical testing. Allele origin: germline.

Labcorp Genetics (formerly Invitae), Labcorp
Classification: Pathogenic. Last evaluated: 2024-04-15. Review status: criteria provided, single submitter. Criteria: Invitae Variant Classification Sherloc (09022015). Collection method: clinical testing. Allele origin: germline.
Comment: This sequence change creates a premature translational stop signal (p.Asn1684Lysfs*13) in the COL7A1 gene. It is expected to result in an absent or disrupted protein product. Loss-of-function variants in COL7A1 are known to be pathogenic (PMID: 16971478). This variant is present in population databases (no rsID available, gnomAD 0.009%). This premature translational stop signal has been observed in individual(s) with a COL7A1-related disease (PMID: 10504458). ClinVar contains an entry for this variant (Variation ID: 503615). For these reasons, this variant has been classified as Pathogenic.

GeneDx
Classification: Pathogenic. Last evaluated: 2023-03-14. Review status: criteria provided, single submitter. Criteria: GeneDx Variant Classification Process June 2021. Collection method: clinical testing. Allele origin: germline. Affected: yes.
Comment: Reported previously in the heterozygous state, as 5048insGAAA or c.5051_5052insGAAA using alternate nomenclature, in at least two unrelated individuals with RDEB, although a second COL7A1 variant was only identified for one of these individuals (Whittock et al., 1999; Saeidian et al., 2018); Frameshift variant predicted to result in protein truncation or nonsense mediated decay in a gene for which loss-of-function is a known mechanism of disease; This variant is associated with the following publications: (PMID: 29473190, 10504458)

Literature cited by the submitters: PubMed 10504458 (cited by Myriad Genetics, Inc. and Labcorp Genetics (formerly Invitae), Labcorp); PubMed 29473190 (cited by Myriad Genetics, Inc.); PubMed 25703736 (cited by Natera, Inc.); PubMed 16971478 (cited by Labcorp Genetics (formerly Invitae), Labcorp).

NM_000094.4(COL7A1):c.5048_5051dup (p.Asn1684fs)

Gene: COL7A1 (collagen type VII alpha 1 chain; minus strand). Cytogenetic location: 3p21.31.
Variant type: Duplication.
Coding change: c.5048_5051dup on transcript NM_000094.4 (MANE Select); coding-DNA positions 5048 to 5051, 4 bases duplicated (GAAA; older notation c.5048_5051dupGAAA).
Protein change: p.Asn1684fs; shifts the reading frame from asparagine 1684.
Molecular consequence: frameshift variant.
Genome position (GRCh38, 1-based): chr3:48,580,582-48,580,585, TTTC duplicated on the plus strand (GAAA on the coding strand, the reverse complement: COL7A1 is on the minus strand). VCF-style (leftmost placement, unchanged base first): chr3-48580581-A-ATTTC. GRCh37 (hg19) VCF-style: chr3-48618014-A-ATTTC.
Other names: c.5048_5051dupGAAA (NM_000094.3); short protein forms N1684fs.
Identifiers: ClinVar variation 503615 (VCV000503615.14), dbSNP rs1276678432, ClinGen allele CA542791927.